The following is an entry in ClinVar:

ClinVar aggregate classification (germline): other (0 of 4 stars; one submission).

Conditions:
Familial colorectal cancer. Identifiers: MedGen CN280943, MONDO:0023113. Disease mechanism: loss of function.

Submission:

Systems Biology Platform Zhejiang California International NanoSystems Institute
Classification: other for Familial colorectal cancer. Review status: no assertion criteria provided. Collection method: not provided. Allele origin: unknown.
ClinVar note: Converted during submission from cancer to other.

NC_000005.10:g.112849377A>T

Variant type: single nucleotide variant.
Genome position: GRCh38 VCF-style: chr5-112849377-A-T. GRCh37 (hg19) VCF-style: chr5-112185074-A-T.
Identifiers: ClinVar variation 83289 (VCV000083289.3), dbSNP rs7729562, ClinGen allele CA250981.